The following is an entry in ClinVar:

ClinVar aggregate classification (germline): Uncertain significance. Review status: criteria provided, multiple submitters, no conflicts (2 of 4 stars). 10 submissions from 10 submitters: Uncertain significance (9). 1 of the submissions does not count toward it. Last evaluated 2025-12-10.

Conditions:
Breast-ovarian cancer, familial, susceptibility to, 5 (BROVCA5). Identifiers: MedGen C5830615, MONDO:0957530, OMIM 620442.
Familial cancer of breast. Also called: BREAST CANCER, FAMILIAL; Hereditary breast cancer; hereditary breast carcinoma. Identifiers: Orphanet 227535, MedGen C0346153, MONDO:0016419, OMIM 114480. Disease mechanism: loss of function.
Pancreatic cancer, susceptibility to, 3. Identifiers: Orphanet 1333, MedGen C3150547, MONDO:0013236, OMIM 613348.
Fanconi anemia complementation group N. Also called: PALB2-Related Fanconi Anemia. Identifiers: Orphanet 84, MedGen C1835817, MONDO:0012565, OMIM 610832. Disease mechanism: loss of function.
Hereditary cancer-predisposing syndrome. Also called: Tumor predisposition; Hereditary Cancer Syndrome; Neoplastic Syndromes, Hereditary; Hereditary neoplastic syndrome. Identifiers: Orphanet 140162, MedGen C0027672, MeSH D009386, MONDO:0015356.

Allele frequency attached by ClinVar (database versions not stated): gnomAD 0.00001; TOPMed 0.00001.
gnomAD v4.1: 15 of 1,614,048 alleles (0.00093%); highest among the groups gnomAD compares: Non-Finnish European, 0.0013%; no homozygotes.

Submissions (10):

Labcorp Genetics (formerly Invitae), Labcorp
Classification: Uncertain significance for Familial cancer of breast. Last evaluated: 2025-12-10. Review status: criteria provided, single submitter. Criteria: Invitae Variant Classification Sherloc (09022015). Collection method: clinical testing. Allele origin: germline.
Comment: This sequence change replaces asparagine, which is neutral and polar, with histidine, which is basic and polar, at codon 450 of the PALB2 protein (p.Asn450His). This variant is not present in population databases (gnomAD no frequency). This variant has not been reported in the literature in individuals affected with PALB2-related conditions. ClinVar contains an entry for this variant (Variation ID: 128119). Invitae Evidence Modeling of protein sequence and biophysical properties (such as structural, functional, and spatial information, amino acid conservation, physicochemical variation, residue mobility, and thermodynamic stability) indicates that this missense variant is not expected to disrupt PALB2 protein function with a negative predictive value of 80%. In summary, the available evidence is currently insufficient to determine the role of this variant in disease. Therefore, it has been classified as a Variant of Uncertain Significance.

Ambry Genetics
Classification: Uncertain significance for Hereditary cancer-predisposing syndrome. Last evaluated: 2025-10-23. Review status: criteria provided, single submitter. Criteria: Ambry Variant Classification Scheme 2023. Collection method: clinical testing. Allele origin: germline.
Comment: The p.N450H variant (also known as c.1348A>C), located in coding exon 4 of the PALB2 gene, results from an A to C substitution at nucleotide position 1348. The asparagine at codon 450 is replaced by histidine, an amino acid with similar properties. This amino acid position is poorly conserved in available vertebrate species. In addition, this alteration is predicted to be tolerated by in silico analysis. Since supporting evidence is limited at this time, the clinical significance of this alteration remains unclear.

Molecular Pathology, Peter Maccallum Cancer Centre
Classification: Uncertain significance for Familial cancer of breast. Last evaluated: 2025-03-21. Review status: criteria provided, single submitter. Criteria: ACMG Guidelines, 2015. Collection method: clinical testing. Allele origin: germline. Inheritance: Autosomal dominant inheritance.

Color Diagnostics, LLC DBA Color Health
Classification: Uncertain significance for Hereditary cancer-predisposing syndrome. Last evaluated: 2024-09-24. Review status: criteria provided, single submitter. Criteria: ACMG Guidelines, 2015. Collection method: clinical testing. Allele origin: germline.
Comment: This missense variant replaces asparagine with histidine at codon 450 of the PALB2 protein. Computational prediction suggests that this variant may not impact protein structure and function. To our knowledge, functional studies have not been reported for this variant. This variant has not been reported in individuals affected with PALB2-related disorders in the literature. This variant has not been identified in the general population by the Genome Aggregation Database (gnomAD). The available evidence is insufficient to determine the role of this variant in disease conclusively. Therefore, this variant is classified as a Variant of Uncertain Significance.

GeneDx
Classification: Uncertain significance. Last evaluated: 2024-09-15. Review status: criteria provided, single submitter. Criteria: GeneDx Variant Classification Process June 2021. Collection method: clinical testing. Allele origin: germline. Affected: yes.
Comment: Not observed at significant frequency in large population cohorts (gnomAD); In silico analysis indicates that this missense variant does not alter protein structure/function; Observed in co-occurrence with a second missense variant in PALB2 in an individual undergoing genetic testing for hereditary breast and ovarian cancer; however, it is unknown whether the variants were on the same or opposite chromosomes (in cis or trans) (PMID: 38136308); This variant is associated with the following publications: (PMID: 38136308)

Baylor Genetics
Classification: Uncertain significance for Familial cancer of breast. Last evaluated: 2023-12-18. Review status: criteria provided, single submitter. Criteria: ACMG Guidelines, 2015. Collection method: clinical testing. Allele origin: unknown.

Department of Pathology and Laboratory Medicine, Sinai Health System
Classification: Uncertain significance for Breast-ovarian cancer, familial, susceptibility to, 5. Last evaluated: 2023-05-02. Review status: criteria provided, single submitter. Criteria: ACMG Guidelines, 2015. Collection method: clinical testing. Allele origin: germline. Affected: yes.

Myriad Genetics, Inc.
Classification: Uncertain significance for Familial cancer of breast. Last evaluated: 2023-03-31. Review status: criteria provided, single submitter. Criteria: Myriad Autosomal Dominant, Autosomal Recessive and X-Linked Classification Criteria (2023). Collection method: clinical testing. Allele origin: unknown.
Comment: This variant is classified as a variant of uncertain significance as there is insufficient evidence to determine its impact on protein function and/or cancer risk.

Fulgent Genetics
Classification: Uncertain significance for Familial cancer of breast; Fanconi anemia complementation group N; Pancreatic cancer, susceptibility to, 3. Last evaluated: 2021-11-30. Review status: criteria provided, single submitter. Criteria: ACMG Guidelines, 2015. Collection method: clinical testing. Allele origin: unknown.

Counsyl
Classification: Uncertain significance for Familial cancer of breast. Last evaluated: 2017-10-19. Review status: no assertion criteria provided. Collection method: clinical testing. Allele origin: unknown. Not counted in ClinVar's aggregate classification.

NM_024675.4(PALB2):c.1348A>C (p.Asn450His)

Gene: PALB2 (partner and localizer of BRCA2; minus strand). Cytogenetic location: 16p12.2.
Variant type: single nucleotide variant.
Coding change: c.1348A>C on transcript NM_024675.4 (MANE Select); coding-DNA position 1348, A replaced by C.
Protein change: p.Asn450His; replaces asparagine 450 with histidine.
Molecular consequence: missense variant.
Genome position (GRCh38, 1-based): chr16:23,635,198, T>G on the plus strand (A>C on the coding strand, the complement: PALB2 is on the minus strand). VCF-style: chr16-23635198-T-G. GRCh37 (hg19) VCF-style: chr16-23646519-T-G.
Other names: p.N450H:AAT>CAT; short protein forms N450H.
Identifiers: ClinVar variation 128119 (VCV000128119.33), dbSNP rs62625274, ClinGen allele CA288404.